The following is an entry in ClinVar:

NM_001447.3(FAT2):c.189G>A (p.Ala63=)

Gene: FAT2 (FAT atypical cadherin 2; minus strand). Cytogenetic location: 5q33.1.
Variant type: single nucleotide variant.
Coding change: c.189G>A on transcript NM_001447.3 (MANE Select); coding-DNA position 189, G replaced by A.
Protein change: p.Ala63=; no amino-acid change (alanine 63 retained).
Molecular consequence: synonymous variant.
Genome position (GRCh38, 1-based): chr5:151,568,743, C>T on the plus strand (G>A on the coding strand, the complement: FAT2 is on the minus strand). VCF-style: chr5-151568743-C-T. GRCh37 (hg19) VCF-style: chr5-150948304-C-T.
Identifiers: ClinVar variation 4979487 (VCV004979487.1).

ClinVar aggregate classification (germline): Likely benign (1 of 4 stars; one submission).

Conditions:
FAT2-related disorder. Also called: FAT2-related condition.

gnomAD v4.1: 20 of 1,614,128 alleles (0.0012%); highest among the groups gnomAD compares: South Asian, 0.011%; no homozygotes.

Submission:

PreventionGenetics, part of Exact Sciences
Classification: Likely benign for FAT2-related condition. Last evaluated: 2025-01-02. Review status: criteria provided, single submitter. Criteria: ACMG Guidelines, 2015. Collection method: clinical testing. Allele origin: germline.
Comment: This variant is classified as likely benign based on ACMG/AMP sequence variant interpretation guidelines (Richards et al. 2015 PMID: 25741868, with internal and published modifications).